The following is an entry in ClinVar:

ClinVar aggregate classification (germline): Conflicting classifications of pathogenicity. Review status: criteria provided, conflicting classifications (1 of 4 stars). 2 submissions from 2 submitters: Uncertain significance (1); Likely benign (1). Last evaluated 2026-07-01.

Allele frequency attached by ClinVar (database versions not stated): gnomAD 0.00001; gnomAD exomes 0.00001; ExAC 0.00003; TOPMed 0.00004.

Submissions (2):

CeGaT Center for Human Genetics Tuebingen
Classification: Likely benign. Last evaluated: 2026-07-01. Review status: criteria provided, single submitter. Criteria: CeGaT Center For Human Genetics Tuebingen Variant Classification Criteria Version 2. Collection method: clinical testing. Allele origin: germline. Affected: yes. Observed: 1 variant allele.
Comment: ANXA9: BP4

Ambry Genetics
Classification: Uncertain significance. Last evaluated: 2023-11-09. Review status: criteria provided, single submitter. Criteria: Ambry Variant Classification Scheme 2023. Collection method: clinical testing. Allele origin: germline.

NM_003568.3(ANXA9):c.595G>T (p.Ala199Ser)

Gene: ANXA9 (annexin A9; plus strand). Cytogenetic location: 1q21.3.
Variant type: single nucleotide variant.
Coding change: c.595G>T on transcript NM_003568.3 (MANE Select); coding-DNA position 595, G replaced by T.
Protein change: p.Ala199Ser; replaces alanine 199 with serine.
Molecular consequence: missense variant.
Genome position (GRCh38, 1-based): chr1:150,986,644, G>T. VCF-style: chr1-150986644-G-T. GRCh37 (hg19) VCF-style: chr1-150959120-G-T.
Other names: short protein forms A199S.
Identifiers: ClinVar variation 3127330 (VCV003127330.2), dbSNP rs754503970, ClinGen allele CA1082979.